The following is an entry in ClinVar:

NM_000170.3(GLDC):c.498T>C (p.Pro166=)

Gene: GLDC (glycine decarboxylase; minus strand). Cytogenetic location: 9p24.1.
Variant type: single nucleotide variant.
Coding change: c.498T>C on transcript NM_000170.3 (MANE Select); coding-DNA position 498, T replaced by C.
Protein change: p.Pro166=; no amino-acid change (proline 166 retained).
Molecular consequence: synonymous variant.
Genome position (GRCh38, 1-based): chr9:6,610,329, A>G on the plus strand (T>C on the coding strand, the complement: GLDC is on the minus strand). VCF-style: chr9-6610329-A-G. GRCh37 (hg19) VCF-style: chr9-6610329-A-G.
Other names: p.Pro166=.
Identifiers: ClinVar variation 255458 (VCV000255458.64), dbSNP rs150193069, ClinGen allele CA4981111.
Genomic context (GRCh38, chr9:6,610,329, plus strand): 5'-GATGTCACACACCATGGTCTGGTAGTTGAGTAAACTCTCCAGCCTCCCCTGAGACACCTC[A>G]GGCTGGTATGGAGTATACTGGGTGATCCTGCAAGGGAAACAAAAGGTCTTGTCCAAACTG-3'
Protein context (NP_000161.2, residues 156-176): GWITQYTPYQ[Pro166=]EVSQGRLESL

ClinVar aggregate classification (germline): Conflicting classifications of pathogenicity. Review status: criteria provided, conflicting classifications (1 of 4 stars). 12 submissions from 12 submitters: Uncertain significance (1); Benign (4); Likely benign (4). 3 of the submissions do not count toward it. Last evaluated 2026-08-01.

Conditions:
GLDC-related disorder. Also called: GLDC-related condition.
Glycine encephalopathy. Also called: Non-ketotic hyperglycinemia; Nonketotic hyperglycinemia. Identifiers: Orphanet 407, MedGen C0751748, MONDO:0011612, HP:0008288.

Allele frequency attached by ClinVar (database versions not stated): 1000 Genomes Project 30x 0.00031; 1000 Genomes Project 0.00040; gnomAD exomes 0.00088 and 0.00132; gnomAD 0.00102 and 0.00110; ExAC 0.00125; TOPMed 0.00133; ESP Exome Variant Server 0.00177.
gnomAD v4.1: 1,496 of 1,614,046 alleles (0.093%); highest among the groups gnomAD compares: Middle Eastern, 0.48%; 5 homozygotes.

Submissions (12):

CeGaT Center for Human Genetics Tuebingen
Classification: Likely benign. Last evaluated: 2026-08-01. Review status: criteria provided, single submitter. Criteria: CeGaT Center For Human Genetics Tuebingen Variant Classification Criteria Version 2. Collection method: clinical testing. Allele origin: germline. Affected: yes. Observed: 18 variant alleles.
Comment: GLDC: BP4, BP7

Labcorp Genetics (formerly Invitae), Labcorp
Classification: Benign for Glycine encephalopathy. Last evaluated: 2026-02-03. Review status: criteria provided, single submitter. Criteria: Invitae Variant Classification Sherloc (09022015). Collection method: clinical testing. Allele origin: germline.

Mayo Clinic Laboratories, Mayo Clinic
Classification: Benign. Last evaluated: 2025-06-05. Review status: criteria provided, single submitter. Criteria: ACMG Guidelines, 2015. Collection method: clinical testing. Allele origin: germline. Observed: 1 variant allele.
Comment: BS1, BS2, BP2, BP4, BP7

PreventionGenetics, part of Exact Sciences
Classification: Benign for GLDC-related condition. Last evaluated: 2024-12-04. Review status: criteria provided, single submitter. Criteria: ACMG Guidelines, 2015. Collection method: clinical testing. Allele origin: germline.
Comment: This variant is classified as benign based on ACMG/AMP sequence variant interpretation guidelines (Richards et al. 2015 PMID: 25741868, with internal and published modifications).

Blueprint Genetics
Classification: Likely benign. Last evaluated: 2024-10-23. Review status: criteria provided, single submitter. Criteria: ACMG Guidelines, 2015. Collection method: clinical testing. Allele origin: germline.

Athena Diagnostics
Classification: Benign. Last evaluated: 2024-10-04. Review status: criteria provided, single submitter. Criteria: Athena Diagnostics Criteria. Collection method: clinical testing. Allele origin: unknown.

Women's Health and Genetics/Laboratory Corporation of America, LabCorp
Classification: Likely benign. Last evaluated: 2022-05-03. Review status: criteria provided, single submitter. Criteria: LabCorp Variant Classification Summary - May 2015. Collection method: clinical testing. Allele origin: germline.

GeneDx
Classification: Likely benign. Last evaluated: 2020-09-01. Review status: criteria provided, single submitter. Criteria: GeneDx Variant Classification Process June 2021. Collection method: clinical testing. Allele origin: germline. Affected: yes.
Comment: This variant is associated with the following publications: (PMID: 27617160)

Illumina Laboratory Services, Illumina
Classification: Uncertain significance for Glycine encephalopathy 1. Last evaluated: 2017-04-27. Review status: criteria provided, single submitter. Criteria: ICSL Variant Classification Criteria 13 December 2019. Collection method: clinical testing. Allele origin: germline.
Comment: This variant was observed as part of a predisposition screen in an ostensibly healthy population. A literature search was performed for the gene, cDNA change, and amino acid change (where applicable). Publications were found based on this search. However, the evidence from the literature, in combination with allele frequency data from public databases where available, was not sufficient to rule this variant in or out of causing disease. Therefore, this variant is classified as a variant of unknown significance.

Natera, Inc.
Classification: Likely benign for Non-ketotic hyperglycinemia. Last evaluated: 2019-12-16. Review status: no assertion criteria provided. Collection method: clinical testing. Allele origin: germline. Not counted in ClinVar's aggregate classification.

Clinical Genetics DNA and cytogenetics Diagnostics Lab, Erasmus MC, Erasmus Medical Center
Classification: Likely benign. Review status: no assertion criteria provided. Collection method: clinical testing. Allele origin: germline. Affected: yes. Study: VKGL Data-share Consensus. Not counted in ClinVar's aggregate classification.

Genome Diagnostics Laboratory, University Medical Center Utrecht
Classification: Likely benign. Review status: no assertion criteria provided. Collection method: clinical testing. Allele origin: germline. Affected: yes. Study: VKGL Data-share Consensus. Not counted in ClinVar's aggregate classification.

Literature cited by the submitters: PubMed 27617160 (cited by 3 submitters).